The following is an entry in ClinVar:

ClinVar aggregate classification (germline): Uncertain significance (1 of 4 stars; one submission).

gnomAD v4.1: 49 of 1,613,372 alleles (0.003%); highest among the groups gnomAD compares: Non-Finnish European, 0.0041%; no homozygotes.

Submission:

Labcorp Genetics (formerly Invitae), Labcorp
Classification: Uncertain significance. Last evaluated: 2024-05-08. Review status: criteria provided, single submitter. Criteria: Invitae Variant Classification Sherloc (09022015). Collection method: clinical testing. Allele origin: germline.
Comment: This sequence change replaces glutamic acid, which is acidic and polar, with valine, which is neutral and non-polar, at codon 263 of the ANXA11 protein (p.Glu263Val). This variant is not present in population databases (gnomAD no frequency). This variant has not been reported in the literature in individuals affected with ANXA11-related conditions. An algorithm developed to predict the effect of missense changes on protein structure and function (PolyPhen-2) suggests that this variant is likely to be disruptive. In summary, the available evidence is currently insufficient to determine the role of this variant in disease. Therefore, it has been classified as a Variant of Uncertain Significance.

NM_145868.2(ANXA11):c.788A>T (p.Glu263Val)

Gene: ANXA11 (annexin A11; minus strand). Cytogenetic location: 10q22.3.
Variant type: single nucleotide variant.
Coding change: c.788A>T on transcript NM_145868.2 (MANE Select); coding-DNA position 788, A replaced by T.
Protein change: p.Glu263Val; replaces glutamic acid 263 with valine.
Molecular consequence: missense variant.
Genome position (GRCh38, 1-based): chr10:80,166,154, T>A on the plus strand (A>T on the coding strand, the complement: ANXA11 is on the minus strand). VCF-style: chr10-80166154-T-A. GRCh37 (hg19) VCF-style: chr10-81925910-T-A.
Other names: c.788A>T, p.Glu263Val (NM_001157.3, NM_001278407.2, NM_001278408.2 and 1 more transcripts); c.689A>T, p.Glu230Val (NM_001278409.2); short protein forms E230V, E263V.
Identifiers: ClinVar variation 3622722 (VCV003622722.2).